The following is an entry in ClinVar:

ClinVar aggregate classification (germline): Uncertain significance. Review status: criteria provided, multiple submitters, no conflicts (2 of 4 stars). 3 submissions from 3 submitters: Uncertain significance (3). Last evaluated 2023-08-08.

Conditions:
TRPM1-related disorder. Also called: TRPM1-related condition.
Inborn genetic diseases. Identifiers: MedGen C0950123, MeSH D030342.

Allele frequency attached by ClinVar (database versions not stated): gnomAD exomes below 0.00001; ExAC 0.00003.
gnomAD v4.1: 7 of 1,614,146 alleles (0.00043%); highest among the groups gnomAD compares: Non-Finnish European, 0.00051%; no homozygotes.

Submissions (3):

PreventionGenetics, part of Exact Sciences
Classification: Uncertain significance for TRPM1-related condition. Last evaluated: 2023-08-08. Review status: criteria provided, single submitter. Criteria: ACMG Guidelines, 2015. Collection method: clinical testing. Allele origin: germline.
Comment: The TRPM1 c.3067C>T variant is predicted to result in the amino acid substitution p.Arg1023Cys. To our knowledge, this variant has not been reported in the literature. This variant is reported in 0.0053% of alleles in individuals of European (Non-Finnish) descent in gnomAD. An alternate missense variant (p.Arg1023His) has been reported in the compound heterozygous state in individuals with TRPM1-related disease (referred to as p.Arg1006His in Iosifidis et al. 2022. PubMed ID: 35633130; referred to as p.Arg984His in Zeitz et al. 2015. PubMed ID: 25307992). Although we suspect that this variant may be pathogenic, at this time, the clinical significance of this variant is uncertain due to the absence of conclusive functional and genetic evidence.

Ambry Genetics
Classification: Uncertain significance for Inborn genetic diseases. Last evaluated: 2023-03-01. Review status: criteria provided, single submitter. Criteria: Ambry Variant Classification Scheme 2023. Collection method: clinical testing. Allele origin: germline.

Blueprint Genetics
Classification: Uncertain significance. Last evaluated: 2022-06-01. Review status: criteria provided, single submitter. Criteria: ACMG Guidelines, 2015. Collection method: clinical testing. Allele origin: germline.

NM_001252024.2(TRPM1):c.3016C>T (p.Arg1006Cys)

Genes: TRPM1 (transient receptor potential cation channel subfamily M member 1; minus strand), TRPM1-AS1 (TRPM1 antisense RNA 1; plus strand). Cytogenetic location: 15q13.3.
Variant type: single nucleotide variant.
Coding change: c.3016C>T on transcript NM_001252024.2 (MANE Select); coding-DNA position 3016, C replaced by T.
Protein change: p.Arg1006Cys; replaces arginine 1006 with cysteine.
Molecular consequence: missense variant.
Genome position (GRCh38, 1-based): chr15:31,031,094, G>A on the plus strand (C>T on the coding strand, the complement: TRPM1 is on the minus strand). VCF-style: chr15-31031094-G-A. GRCh37 (hg19) VCF-style: chr15-31323297-G-A.
Other names: c.3067C>T (NM_001252020.1); c.3067C>T, p.Arg1023Cys (NM_001252020.2); c.2950C>T, p.Arg984Cys (NM_002420.6); short protein forms R1006C, R984C, R1023C.
Identifiers: ClinVar variation 2492272 (VCV002492272.4), dbSNP rs747440205, ClinGen allele CA7452005.